The following is an entry in ClinVar:

NM_031935.3(HMCN1):c.2341G>A (p.Ala781Thr)

Gene: HMCN1 (hemicentin 1; plus strand). Cytogenetic location: 1q31.1.
Variant type: single nucleotide variant.
Coding change: c.2341G>A on transcript NM_031935.3 (MANE Select); coding-DNA position 2341, G replaced by A.
Protein change: p.Ala781Thr; replaces alanine 781 with threonine.
Molecular consequence: missense variant.
Genome position (GRCh38, 1-based): chr1:185,970,463, G>A. VCF-style: chr1-185970463-G-A. GRCh37 (hg19) VCF-style: chr1-185939595-G-A.
Other names: c.2341G>A (NM_031935.2); short protein forms A781T.
Identifiers: ClinVar variation 1503117 (VCV001503117.7), dbSNP rs373420508, ClinGen allele CA1291360.

ClinVar aggregate classification (germline): Uncertain significance. Review status: criteria provided, multiple submitters, no conflicts (2 of 4 stars). 2 submissions from 2 submitters: Uncertain significance (2). Last evaluated 2025-04-21.

Allele frequency attached by ClinVar (database versions not stated): gnomAD exomes 0.00001 and 0.00002; ExAC 0.00002; gnomAD 0.00004; ESP Exome Variant Server 0.00008; TOPMed 0.00009.
gnomAD v4.1: 24 of 1,613,834 alleles (0.0015%); highest among the groups gnomAD compares: Admixed American, 0.0083%; no homozygotes.

Submissions (2):

Labcorp Genetics (formerly Invitae), Labcorp
Classification: Uncertain significance. Last evaluated: 2025-04-21. Review status: criteria provided, single submitter. Criteria: Invitae Variant Classification Sherloc (09022015). Collection method: clinical testing. Allele origin: germline.
Comment: This sequence change replaces alanine, which is neutral and non-polar, with threonine, which is neutral and polar, at codon 781 of the HMCN1 protein (p.Ala781Thr). This variant is present in population databases (rs373420508, gnomAD 0.004%). This variant has not been reported in the literature in individuals affected with HMCN1-related conditions. ClinVar contains an entry for this variant (Variation ID: 1503117). An algorithm developed to predict the effect of missense changes on protein structure and function (PolyPhen-2) suggests that this variant is likely to be disruptive. In summary, the available evidence is currently insufficient to determine the role of this variant in disease. Therefore, it has been classified as a Variant of Uncertain Significance.

Ambry Genetics
Classification: Uncertain significance. Last evaluated: 2024-01-03. Review status: criteria provided, single submitter. Criteria: Ambry Variant Classification Scheme 2023. Collection method: clinical testing. Allele origin: germline.